The following is an entry in ClinVar:

ClinVar aggregate classification (germline): Uncertain significance. Review status: criteria provided, multiple submitters, no conflicts (2 of 4 stars). 2 submissions from 2 submitters: Uncertain significance (2). Last evaluated 2025-08-08.

Conditions:
Inborn genetic diseases. Identifiers: MedGen C0950123, MeSH D030342.
DNA ligase IV deficiency. Identifiers: Orphanet 99812, MedGen C1847827, MONDO:0011686, OMIM 606593.

Allele frequency attached by ClinVar (database versions not stated): ExAC 0.00001; TOPMed 0.00001; gnomAD 0.00002; ESP Exome Variant Server 0.00008.

Submissions (2):

Ambry Genetics
Classification: Uncertain significance for Inborn genetic diseases. Last evaluated: 2025-08-08. Review status: criteria provided, single submitter. Criteria: Ambry Variant Classification Scheme 2023. Collection method: clinical testing. Allele origin: germline.

Labcorp Genetics (formerly Invitae), Labcorp
Classification: Uncertain significance for DNA ligase IV deficiency. Last evaluated: 2022-03-27. Review status: criteria provided, single submitter. Criteria: Invitae Variant Classification Sherloc (09022015). Collection method: clinical testing. Allele origin: germline.
Comment: In summary, the available evidence is currently insufficient to determine the role of this variant in disease. Therefore, it has been classified as a Variant of Uncertain Significance. Algorithms developed to predict the effect of missense changes on protein structure and function are either unavailable or do not agree on the potential impact of this missense change (SIFT: "Deleterious"; PolyPhen-2: "Probably Damaging"; Align-GVGD: "Class C0"). This variant has not been reported in the literature in individuals affected with LIG4-related conditions. This variant is present in population databases (rs371739985, gnomAD 0.007%). This sequence change replaces glycine, which is neutral and non-polar, with arginine, which is basic and polar, at codon 295 of the LIG4 protein (p.Gly295Arg).

NM_206937.2(LIG4):c.883G>A (p.Gly295Arg)

Gene: LIG4 (DNA ligase 4; minus strand). Cytogenetic location: 13q33.3.
Variant type: single nucleotide variant.
Coding change: c.883G>A on transcript NM_206937.2 (MANE Select); coding-DNA position 883, G replaced by A.
Protein change: p.Gly295Arg; replaces glycine 295 with arginine.
Molecular consequence: missense variant.
Genome position (GRCh38, 1-based): chr13:108,210,386, C>T on the plus strand (G>A on the coding strand, the complement: LIG4 is on the minus strand). VCF-style: chr13-108210386-C-T. GRCh37 (hg19) VCF-style: chr13-108862734-C-T.
Other names: c.883G>A, p.Gly295Arg (NM_001098268.2, NM_001352598.2, NM_001352599.2 and 6 more transcripts); c.682G>A, p.Gly228Arg (NM_001330595.2); c.919G>A, p.Gly307Arg (NM_001352604.2); short protein forms G228R, G295R, G307R.
Identifiers: ClinVar variation 1987135 (VCV001987135.5), dbSNP rs371739985, ClinGen allele CA7043786.